The following is an entry in ClinVar:

NM_000135.4(FANCA):c.1286C>T (p.Thr429Ile)

Gene: FANCA (FA complementation group A; minus strand). Cytogenetic location: 16q24.3.
Variant type: single nucleotide variant.
Coding change: c.1286C>T on transcript NM_000135.4 (MANE Select); coding-DNA position 1286, C replaced by T.
Protein change: p.Thr429Ile; replaces threonine 429 with isoleucine.
Molecular consequence: missense variant.
Genome position (GRCh38, 1-based): chr16:89,791,476, G>A on the plus strand (C>T on the coding strand, the complement: FANCA is on the minus strand). VCF-style: chr16-89791476-G-A. GRCh37 (hg19) VCF-style: chr16-89857884-G-A.
Other names: c.1286C>T (LRG_495t1); c.1286C>T, p.Thr429Ile (NM_001286167.3); short protein forms T429I.
Identifiers: ClinVar variation 641448 (VCV000641448.9), dbSNP rs1598151907, ClinGen allele CA397464085.

ClinVar aggregate classification (germline): Uncertain significance. Review status: criteria provided, multiple submitters, no conflicts (2 of 4 stars). 2 submissions from 2 submitters: Uncertain significance (2). Last evaluated 2025-01-27.

Conditions:
Inborn genetic diseases. Identifiers: MedGen C0950123, MeSH D030342.
Fanconi anemia (FA). Also called: Fanconi's anemia. Identifiers: Orphanet 84, MedGen C0015625, MeSH D005199, MONDO:0019391.

Submissions (2):

Ambry Genetics
Classification: Uncertain significance for Inborn genetic diseases. Last evaluated: 2025-01-27. Review status: criteria provided, single submitter. Criteria: Ambry Variant Classification Scheme 2023. Collection method: clinical testing. Allele origin: germline.
Comment: The p.T429I variant (also known as c.1286C>T), located in coding exon 14 of the FANCA gene, results from a C to T substitution at nucleotide position 1286. The threonine at codon 429 is replaced by isoleucine, an amino acid with similar properties. This amino acid position is conserved. In addition, the in silico prediction for this alteration is inconclusive. Based on the available evidence, the clinical significance of this variant remains unclear.

Labcorp Genetics (formerly Invitae), Labcorp
Classification: Uncertain significance for Fanconi anemia. Last evaluated: 2018-10-14. Review status: criteria provided, single submitter. Criteria: Invitae Variant Classification Sherloc (09022015). Collection method: clinical testing. Allele origin: germline.
Comment: Algorithms developed to predict the effect of missense changes on protein structure and function output the following: SIFT: "Deleterious"; PolyPhen-2: "Possibly Damaging"; Align-GVGD: "Class C0". The isoleucine amino acid residue is found in multiple mammalian species, suggesting that this missense change does not adversely affect protein function. These predictions have not been confirmed by published functional studies and their clinical significance is uncertain. This sequence change replaces threonine with isoleucine at codon 429 of the FANCA protein (p.Thr429Ile). The threonine residue is highly conserved and there is a moderate physicochemical difference between threonine and isoleucine. This variant is not present in population databases (ExAC no frequency). This variant has not been reported in the literature in individuals with FANCA-related disease. In summary, the available evidence is currently insufficient to determine the role of this variant in disease. Therefore, it has been classified as a Variant of Uncertain Significance.